The following is an entry in ClinVar:

NM_000350.3(ABCA4):c.4252A>G (p.Ser1418Gly)

Gene: ABCA4 (ATP binding cassette subfamily A member 4; minus strand). Cytogenetic location: 1p22.1.
Variant type: single nucleotide variant.
Coding change: c.4252A>G on transcript NM_000350.3 (MANE Select); coding-DNA position 4252, A replaced by G.
Protein change: p.Ser1418Gly; replaces serine 1418 with glycine.
Molecular consequence: missense variant.
Genome position (GRCh38, 1-based): chr1:94,030,997, T>C on the plus strand (A>G on the coding strand, the complement: ABCA4 is on the minus strand). VCF-style: chr1-94030997-T-C. GRCh37 (hg19) VCF-style: chr1-94496553-T-C.
Other names: c.4030A>G, p.Ser1344Gly (NM_001425324.1); short protein forms S1418G, S1344G.
Identifiers: ClinVar variation 1349949 (VCV001349949.8), dbSNP rs2101035661, ClinGen allele CA341286024.

ClinVar aggregate classification (germline): Uncertain significance (1 of 4 stars; one submission).

Submission:

Labcorp Genetics (formerly Invitae), Labcorp
Classification: Uncertain significance. Last evaluated: 2022-02-09. Review status: criteria provided, single submitter. Criteria: Invitae Variant Classification Sherloc (09022015). Collection method: clinical testing. Allele origin: germline.
Comment: In summary, the available evidence is currently insufficient to determine the role of this variant in disease. Therefore, it has been classified as a Variant of Uncertain Significance. This variant disrupts the p.Ser1418 amino acid residue in ABCA4. Other variant(s) that disrupt this residue have been observed in individuals with ABCA4-related conditions (PMID: 32619608), which suggests that this may be a clinically significant amino acid residue. Algorithms developed to predict the effect of sequence changes on RNA splicing suggest that this variant may disrupt the consensus splice site. Algorithms developed to predict the effect of missense changes on protein structure and function (SIFT, PolyPhen-2, Align-GVGD) all suggest that this variant is likely to be disruptive. This missense change has been observed in individual(s) with Stargardt disease (Invitae). This variant is not present in population databases (gnomAD no frequency). This sequence change replaces serine, which is neutral and polar, with glycine, which is neutral and non-polar, at codon 1418 of the ABCA4 protein (p.Ser1418Gly).

Literature cited by the submitters: PubMed 32619608.